The following is an entry in ClinVar:

NM_006734.4(HIVEP2):c.6277G>A (p.Glu2093Lys)

Gene: HIVEP2 (HIVEP zinc finger 2; minus strand). Cytogenetic location: 6q24.2.
Variant type: single nucleotide variant.
Coding change: c.6277G>A on transcript NM_006734.4 (MANE Select); coding-DNA position 6277, G replaced by A.
Protein change: p.Glu2093Lys; replaces glutamic acid 2093 with lysine.
Molecular consequence: missense variant.
Genome position (GRCh38, 1-based): chr6:142,760,011, C>T on the plus strand (G>A on the coding strand, the complement: HIVEP2 is on the minus strand). VCF-style: chr6-142760011-C-T. GRCh37 (hg19) VCF-style: chr6-143081148-C-T.
Other names: short protein forms E2093K.
Identifiers: ClinVar variation 1031084 (VCV001031084.1), dbSNP rs1775183672, ClinGen allele CA365887093.

ClinVar aggregate classification (germline): Uncertain significance (1 of 4 stars; one submission).

Conditions:
Intellectual developmental disorder, autosomal dominant 43. Also called: Intellectual disability, autosomal dominant 43. Identifiers: MedGen C4707429, MONDO:0014858, OMIM 616977.

Submission:

Baylor Genetics
Classification: Uncertain significance for Intellectual developmental disorder, autosomal dominant 43. Last evaluated: 2020-07-27. Review status: criteria provided, single submitter. Criteria: ACMG Guidelines, 2015. Collection method: clinical testing. Allele origin: unknown. Affected: yes.
Comment: This variant was determined to be of uncertain significance according to ACMG Guidelines, 2015 [PMID:25741868].